The following is an entry in ClinVar:

ClinVar aggregate classification (germline): Uncertain significance (1 of 4 stars; one submission).

Submission:

GeneDx
Classification: Uncertain significance. Last evaluated: 2022-10-19. Review status: criteria provided, single submitter. Criteria: GeneDx Variant Classification Process June 2021. Collection method: clinical testing. Allele origin: germline. Affected: yes.
Comment: Not observed at significant frequency in large population cohorts (gnomAD); In silico analysis supports that this missense variant does not alter protein structure/function; Has not been previously published as pathogenic or benign to our knowledge

NM_004544.4(NDUFA10):c.444G>C (p.Glu148Asp)

Gene: NDUFA10 (NADH:ubiquinone oxidoreductase subunit A10; minus strand). Cytogenetic location: 2q37.3.
Variant type: single nucleotide variant.
Coding change: c.444G>C on transcript NM_004544.4 (MANE Select); coding-DNA position 444, G replaced by C.
Protein change: p.Glu148Asp; replaces glutamic acid 148 with aspartic acid.
Molecular consequence: missense variant. On other transcripts: non-coding transcript variant (4).
Genome position (GRCh38, 1-based): chr2:240,021,213, C>G on the plus strand (G>C on the coding strand, the complement: NDUFA10 is on the minus strand). VCF-style: chr2-240021213-C-G. GRCh37 (hg19) VCF-style: chr2-240960630-C-G.
Other names: c.444G>C, p.Glu148Asp (NM_001322019.2, NM_001322020.2, NM_001410987.1); short protein forms E148D.
Identifiers: ClinVar variation 2499727 (VCV002499727.1), dbSNP rs1697603734, ClinGen allele CA351273846.
Genomic context (GRCh38, chr2:240,021,213, plus strand): 5'-GTGTTCAAGTACAGAACAGATCTAACTGCCCAGAAATACTGCACCTGTGGTCAGCAAGTG[C>G]TCCAAGGCATCTGAGTACTGCAGCAGGCGACTGCTGTACAACCAGGACTGCAGGCGGTAA-3'
Protein context (NP_004535.1, residues 138-158): SRLLQYSDAL[Glu148Asp]HLLTTGQGVV